The following is an entry in ClinVar:

NM_001278716.2(FBXL4):c.1528C>G (p.Leu510Val)

Gene: FBXL4 (F-box and leucine rich repeat protein 4; minus strand). Cytogenetic location: 6q16.1.
Variant type: single nucleotide variant.
Coding change: c.1528C>G on transcript NM_001278716.2 (MANE Select); coding-DNA position 1528, C replaced by G.
Protein change: p.Leu510Val; replaces leucine 510 with valine.
Molecular consequence: missense variant. On other transcripts: non-coding transcript variant (1).
Genome position (GRCh38, 1-based): chr6:98,875,589, G>C on the plus strand (C>G on the coding strand, the complement: FBXL4 is on the minus strand). VCF-style: chr6-98875589-G-C. GRCh37 (hg19) VCF-style: chr6-99323465-G-C.
Other names: c.1528C>G, p.Leu510Val (NM_012160.5); short protein forms L510V.
Identifiers: ClinVar variation 437766 (VCV000437766.1), dbSNP rs749904912, ClinGen allele CA3933429.
Genomic context (GRCh38, chr6:98,875,589, plus strand): 5'-GTGCCAGTCTGGTGAAGCACCCGGTGCTGCTCTGCAGAGTTGGGCACCAGCCAAGGTCAA[G>C]CTCCTCCAGTAGTGGACACCCAGAAGCCAGTTCTGCTATTCCATTCTCAGTAATATTCTT-3'
Protein context (NP_001265645.1, residues 500-520): LASGCPLLEE[Leu510Val]DLGWCPTLQS

ClinVar aggregate classification (germline): Uncertain significance (1 of 4 stars; one submission).

Conditions:
Mitochondrial DNA depletion syndrome 13. Also called: FBXL4-Related Encephalomyopathic Mitochondrial DNA Depletion Syndrome; Mitochondrial DNA depletion syndrome 13 (encephalomyopathic type). Identifiers: Orphanet 369897, MedGen C3809592, MONDO:0014198, OMIM 615471.

Allele frequency attached by ClinVar (database versions not stated): gnomAD exomes below 0.00001; ExAC 0.00001.
gnomAD v4.1: 2 of 1,614,126 alleles (0.00012%); highest among the groups gnomAD compares: South Asian, 0.0022%; no homozygotes.

Submission:

Wong Mito Lab, Molecular and Human Genetics, Baylor College of Medicine
Classification: Uncertain significance for Mitochondrial DNA depletion syndrome 13. Last evaluated: 2017-08-10. Review status: criteria provided, single submitter. Criteria: ACMG Guidelines, 2015. Collection method: reference population. Allele origin: germline.
Comment: The NM_012160.4:c.1528C>G (NP_036292.2:p.Leu510Val) [GRCH38: NC_000006.12:g.98875589G>C] variant in FBXL4 gene is interpretated to be a Uncertain Significance - Insufficient Evidence based on ACMG guidelines (PMID: 25741868). This variant meets one or more of the following evidence codes reported in the ACMG-guideline. PM2:This variant is absent in key population databases. Based on this evidence code ClinGen Pathogenicity Calculator (PMID:28081714) suggested that the variant is Uncertain Significance - Insufficient Evidence.